The following is an entry in ClinVar:

ClinVar aggregate classification (germline): Pathogenic. Review status: criteria provided, multiple submitters, no conflicts (2 of 4 stars). 6 submissions from 6 submitters: Pathogenic (6). Last evaluated 2025-05-23.

Conditions:
RAPSN-related disorder. Also called: RAPSN-related disorders; RAPSN-related condition. Identifiers: MedGen CN239397.
Hydrops fetalis. Identifiers: Orphanet 1041, MedGen C0020305, MONDO:0015193, HP:0001789.
Congenital myasthenic syndrome (CMS). Also called: Congenital Myasthenic Syndromes. Identifiers: Orphanet 590, MedGen C0751882, MeSH D020294, MONDO:0018940.

Submissions (6):

Natera, Inc.
Classification: Pathogenic for Congenital myasthenic syndrome. Last evaluated: 2025-05-23. Review status: criteria provided, single submitter. Criteria: Natera Variant Classification Schema (03/2026). Collection method: clinical testing. Allele origin: germline.
Comment: The c.149_153delTCACAinsAGATGGGCCGCTACAAGGAGATGG variant in RAPSN is a frameshift variant predicted to shift the reading frame beginning at codon 50 and leads to a stop codon 114 codons downstream. This variant is expected to result in nonsense mediated decay, truncation, or a dysfunctional protein product. This variant is rare in the general population with a frequency below the threshold expected for the associated phenotype(s). This variant has been observed in one or more individuals affected with the associated recessive disease, as either homozygous or compound heterozygous with a second variant (PMID: 31680349, 36307859). Additionally, this variant has been observed to segregate in affected family members (PMID: 31680349). Given the available evidence, this variant is classified as Pathogenic.

Myriad Genetics, Inc.
Classification: Pathogenic for RAPSN-related disorder. Last evaluated: 2024-05-08. Review status: criteria provided, single submitter. Criteria: Myriad Autosomal Dominant, Autosomal Recessive and X-Linked Classification Criteria (2023). Collection method: clinical testing. Allele origin: unknown.
Comment: NM_005055.4(RAPSN):c.149_153del5ins24(V50Efs*114) is expected to be pathogenic in the context of RAPSN-related disorders. This variant is predicted to lead to an abnormal or absent protein product due to the creation of a premature termination codon in RAPSN, a gene where loss-of-function variants are known to be pathogenic. Please note: this variant was assessed in the context of healthy population screening.

Women's Health and Genetics/Laboratory Corporation of America, LabCorp
Classification: Pathogenic for Congenital myasthenic syndrome. Last evaluated: 2022-09-20. Review status: criteria provided, single submitter. Criteria: LabCorp Variant Classification Summary - May 2015. Collection method: clinical testing. Allele origin: germline.
Comment: Variant summary: RAPSN c.149_153delinsAGATGGGCCGCTACAAGGAGATGG (p.Val50GlufsX114) results in a premature termination codon, predicted to cause a truncation of the encoded protein or absence of the protein due to nonsense mediated decay, which are commonly known mechanisms for disease. The variant was absent in 250662 control chromosomes (gnomAD). c.149_153delins24 has been reported in the literature as a biallelic genotype in two families with repeat occurrences of Hydrops Fetalis/Fetal Akinesia (Guo_2020, Zhou_2021). These data indicate that the variant is very likely to be associated with disease. To our knowledge, no experimental evidence demonstrating an impact on protein function has been reported. Two ClinVar submitters have assessed the variant since 2014: both classified the variant as pathogenic. Based on the evidence outlined above, the variant was classified as pathogenic.

CeGaT Center for Human Genetics Tuebingen
Classification: Pathogenic. Last evaluated: 2022-03-01. Review status: criteria provided, single submitter. Criteria: CeGaT Center For Human Genetics Tuebingen Variant Classification Criteria Version 2. Collection method: clinical testing. Allele origin: germline. Affected: yes. Observed: 4 variant alleles.
Comment: RAPSN: PVS1, PM2

Center for Reproductive Medicine, Peking University Third Hospital
Classification: Pathogenic for Hydrops fetalis. Last evaluated: 2019-10-16. Review status: criteria provided, single submitter. Criteria: ACMG Guidelines, 2015. Collection method: clinical testing. Allele origin: germline. Affected: yes.

GeneDx
Classification: Pathogenic. Last evaluated: 2017-05-25. Review status: criteria provided, single submitter. Criteria: GeneDx Variant Classification (06012015). Collection method: clinical testing. Allele origin: germline. Affected: yes.
Comment: The c.149_153delTCACAins24 pathogenic variant in the RAPSN gene has not been reported previously as a pathogenic variant, nor as a benign variant, to our knowledge. The c.149_153delTCACAins24 variant causes a frameshift starting with codon Valine 50, changes this amino acid to a Glutamic acid residue, and creates a premature Stop codon at position 114 of the new reading frame, denoted p.Val50GlufsX114. This variant is predicted to cause loss of normal protein function either through protein truncation or nonsense-mediated mRNA decay. The c.149_153delTCACAins24 variant is not observed in large population cohorts (Lek et al., 2016; 1000 Genomes Consortium et al., 2015; Exome Variant Server). We interpret c.149_153delTCACAins24 as a pathogenic variant.

Literature cited by the submitters: PubMed 31680349 (cited by 3 submitters); PubMed 36307859 (cited by Natera, Inc.); PubMed 33897756 (cited by Women's Health and Genetics/Laboratory Corporation of America, LabCorp); PubMed 10449659 (cited by Center for Reproductive Medicine, Peking University Third Hospital).

NM_005055.5(RAPSN):c.149_153delinsAGATGGGCCGCTACAAGGAGATGG (p.Val50fs)

Gene: RAPSN (receptor associated protein of the synapse; minus strand). Cytogenetic location: 11p11.2.
Variant type: Indel.
Coding change: c.149_153delinsAGATGGGCCGCTACAAGGAGATGG on transcript NM_005055.5 (MANE Select); coding-DNA positions 149 to 153, TCACA replaced by AGATGGGCCGCTACAAGGAGATGG.
Protein change: p.Val50fs; shifts the reading frame from valine 50.
Molecular consequence: frameshift variant.
Genome position (GRCh38, 1-based): chr11:47,448,812-47,448,816, TGTGA replaced by CCATCTCCTTGTAGCGGCCCATCT on the plus strand (TCACA replaced by AGATGGGCCGCTACAAGGAGATGG on the coding strand, the reverse complement: RAPSN is on the minus strand). VCF-style: chr11-47448812-TGTGA-CCATCTCCTTGTAGCGGCCCATCT. GRCh37 (hg19) VCF-style: chr11-47470364-TGTGA-CCATCTCCTTGTAGCGGCCCATCT.
Other names: c.149_153delinsAGATGGGCCGCTACAAGGAGATGG, p.Val50fs (NM_032645.5); c.149_153delinsAGATGGGCCGCTACAAGGAGATGG (NM_005055.4); short protein forms V50fs.
Identifiers: ClinVar variation 430474 (VCV000430474.33), dbSNP rs1131691986, ClinGen allele CA645369518.
Genomic context (GRCh38, chr11:47,448,812, plus strand): 5'-CCCCAGGCCGGGTACACCCACCTTCAGCATCTCCTTGTAGCGGCCCATCTCCGAGTGGGC[TGTGA>CCATCTCCTTGTAGCGGCCCATCT]CCAGGCAGCCCAGCACGCGGAAGCGCCCCATGAGGTCCGAGCTCTTCTCCAGCACCTTTG-3'